The following is an entry in ClinVar:

ClinVar aggregate classification (germline): Uncertain significance (1 of 4 stars; one submission).

Conditions:
Intellectual disability, X-linked 102 (MRXSSB). Also called: Intellectual developmental disorder, X-linked syndromic, Snijders Blok type. Identifiers: Orphanet 457260, MedGen C5393299, MONDO:0010497, OMIM 300958.

Submission:

University of Washington Department of Laboratory Medicine, University of Washington
Classification: Uncertain significance for Intellectual disability, X-linked 102. Last evaluated: 2022-02-02. Review status: criteria provided, single submitter. Criteria: ACMG Guidelines, 2015. Collection method: clinical testing. Allele origin: maternal. Affected: yes.
Comment: The p.Asp134Val variant in the DDX3X gene has not been previously reported in association with disease. This variant was absent from large population databases, including the Genome Aggregation Database. The DDX3X gene has fewer missense variants in the general population than expected. A low rate of missense variation may suggest that this gene is intolerant to missense variation. In silico tools do not consistently predict if the p.Asp134Val variant impacts protein function; however, these predictions have not been tested directly. Using ACMG guidelines, this variant was classified as a variant of uncertain significance (ACMG evidence codes used: PM2_supporting, PP2).

NM_001356.5(DDX3X):c.401A>T (p.Asp134Val)

Gene: DDX3X (DEAD-box helicase 3 X-linked; plus strand). Cytogenetic location: Xp11.4.
Variant type: single nucleotide variant.
Coding change: c.401A>T on transcript NM_001356.5 (MANE Select); coding-DNA position 401, A replaced by T.
Protein change: p.Asp134Val; replaces aspartic acid 134 with valine.
Molecular consequence: missense variant. On other transcripts: 5 prime UTR variant (1), non-coding transcript variant (1).
Genome position (GRCh38, 1-based): chrX:41,342,611, A>T. VCF-style: chrX-41342611-A-T. GRCh37 (hg19) VCF-style: chrX-41201864-A-T.
Other names: c.401A>T, p.Asp134Val (NM_001193416.3); c.353A>T, p.Asp118Val (NM_001193417.3); c.-158A>T (NM_001363819.1); c.401A>T (NM_001356.4); short protein forms D118V, D134V.
Identifiers: ClinVar variation 3777163 (VCV003777163.1).